The following is an entry in ClinVar:

NM_133510.4(RAD51B):c.760A>G (p.Ile254Val)

Gene: RAD51B (RAD51 paralog B; plus strand). Cytogenetic location: 14q24.1.
Variant type: single nucleotide variant.
Coding change: c.760A>G on transcript NM_133510.4 (MANE Select); coding-DNA position 760, A replaced by G.
Protein change: p.Ile254Val; replaces isoleucine 254 with valine.
Molecular consequence: missense variant.
Genome position (GRCh38, 1-based): chr14:68,291,887, A>G. VCF-style: chr14-68291887-A-G. GRCh37 (hg19) VCF-style: chr14-68758604-A-G.
Other names: c.760A>G, p.Ile254Val (NM_001321809.2, NM_001321810.2, NM_001321812.1 and 6 more transcripts); c.646A>G, p.Ile216Val (NM_001321815.1); c.403A>G, p.Ile135Val (NM_001321817.2); short protein forms I254V, I216V, I135V.
Identifiers: ClinVar variation 3786435 (VCV003786435.1).
Genomic context (GRCh38, chr14:68,291,887, plus strand): 5'-GTCTTCCCTGTCTTTCTTCTCCCTTGCCCCCTACCCCTTCTCCCTGTCTGTTCACAGGTT[A>G]TCTTGACGAATCAGATTACAACCCATCTGAGTGGAGCCCTGGCTTCTCAGGCAGACCTGG-3'
Protein context (NP_598194.1, residues 244-264): YLAEEFSIPV[Ile254Val]LTNQITTHLS

ClinVar aggregate classification (germline): Uncertain significance (1 of 4 stars; one submission).

gnomAD v4.1: 6 of 1,612,282 alleles (0.00037%); highest among the groups gnomAD compares: Non-Finnish European, 0.00051%; no homozygotes.

Submission:

Ambry Genetics
Classification: Uncertain significance. Last evaluated: 2025-01-29. Review status: criteria provided, single submitter. Criteria: Ambry Variant Classification Scheme 2023. Collection method: clinical testing. Allele origin: germline.
Comment: The p.I254V variant (also known as c.760A>G), located in coding exon 7 of the RAD51B gene, results from an A to G substitution at nucleotide position 760. The isoleucine at codon 254 is replaced by valine, an amino acid with highly similar properties. This amino acid position is conserved. In addition, this alteration is predicted to be tolerated by in silico analysis. Based on the available evidence, the clinical significance of this variant remains unclear.